The following is an entry in ClinVar:

NM_000065.5(C6):c.1563C>A (p.Cys521Ter)

Gene: C6 (complement C6; minus strand). Cytogenetic location: 5p13.1.
Variant type: single nucleotide variant.
Coding change: c.1563C>A on transcript NM_000065.5 (MANE Select); coding-DNA position 1563, C replaced by A.
Protein change: p.Cys521Ter; replaces cysteine 521 with a stop codon.
Molecular consequence: nonsense.
Genome position (GRCh38, 1-based): chr5:41,160,263, G>T on the plus strand (C>A on the coding strand, the complement: C6 is on the minus strand). VCF-style: chr5-41160263-G-T. GRCh37 (hg19) VCF-style: chr5-41160365-G-T.
Other names: c.1563C>A, p.Cys521Ter (NM_001115131.4); short protein forms C521*.
Identifiers: ClinVar variation 4694674 (VCV004694674.1).

ClinVar aggregate classification (germline): Pathogenic (1 of 4 stars; one submission).

gnomAD v4.1: 1 of 1,613,746 alleles (0.000062%); highest among the groups gnomAD compares: African/African-American, 0.0013%; no homozygotes.

Submission:

Labcorp Genetics (formerly Invitae), Labcorp
Classification: Pathogenic. Last evaluated: 2026-01-17. Review status: criteria provided, single submitter. Criteria: Invitae Variant Classification Sherloc (09022015). Collection method: clinical testing. Allele origin: germline.
Comment: This sequence change creates a premature translational stop signal (p.Cys521*) in the C6 gene. It is expected to result in an absent or disrupted protein product. Loss-of-function variants in C6 are known to be pathogenic (PMID: 17257682). This variant is present in population databases (rs760077826, gnomAD 0.004%). This premature translational stop signal has been observed in individual(s) with C6-related conditions (PMID: 31440263). For these reasons, this variant has been classified as Pathogenic.

Literature cited by the submitters: PubMed 17257682; PubMed 31440263.